The following is an entry in ClinVar:

NM_001371279.1(REEP1):c.113G>A (p.Trp38Ter)

Gene: REEP1 (receptor accessory protein 1; minus strand). Cytogenetic location: 2p11.2.
Variant type: single nucleotide variant.
Coding change: c.113G>A on transcript NM_001371279.1 (MANE Select); coding-DNA position 113, G replaced by A.
Protein change: p.Trp38Ter; replaces tryptophan 38 with a stop codon.
Molecular consequence: nonsense.
Genome position (GRCh38, 1-based): chr2:86,264,034, C>T on the plus strand (G>A on the coding strand, the complement: REEP1 is on the minus strand). VCF-style: chr2-86264034-C-T. GRCh37 (hg19) VCF-style: chr2-86491157-C-T.
Other names: c.134G>A, p.Trp45Ter (NM_001164730.2); c.32G>A, p.Trp11Ter (NM_001164731.2); c.113G>A, p.Trp38Ter (NM_001164732.2, NM_001371280.1, NM_022912.3); short protein forms W38*, W45*, W11*.
Identifiers: ClinVar variation 411804 (VCV000411804.9), dbSNP rs1060503494, ClinGen allele CA16611230.
Genomic context (GRCh38, chr2:86,264,034, plus strand): 5'-AAGATGTCTGTGAATGTCTCTGCTGTGGTGAAAAGTGCAAATATAATCCAGTACATCATC[C>T]ATTTGACCTGTTGAAACAGAAAGCAACACAGCTGGTAGAAAAGGTCCAGGAAAAACACTG-3'

ClinVar aggregate classification (germline): Pathogenic/Likely pathogenic. Review status: criteria provided, multiple submitters, no conflicts (2 of 4 stars). 2 submissions from 2 submitters: Pathogenic (1); Likely pathogenic (1). Last evaluated 2017-01-11.

Conditions:
Hereditary spastic paraplegia. Also called: Familial spastic paraparesis. Identifiers: Orphanet 685, MedGen C0037773, MONDO:0019064. Disease mechanism: loss of function.
Hereditary spastic paraplegia 31. Also called: SPASTIC PARAPLEGIA 31, AUTOSOMAL DOMINANT. Identifiers: Orphanet 101011, MedGen C1853247, MONDO:0012453, OMIM 610250.

Submissions (2):

Genome Diagnostics Laboratory, The Hospital for Sick Children
Classification: Likely pathogenic for Hereditary spastic paraplegia. Last evaluated: 2017-01-11. Review status: criteria provided, single submitter. Criteria: ACMG Guidelines, 2015. Collection method: clinical testing. Allele origin: germline. Affected: yes.

Labcorp Genetics (formerly Invitae), Labcorp
Classification: Pathogenic for Hereditary spastic paraplegia 31. Last evaluated: 2016-05-20. Review status: criteria provided, single submitter. Criteria: Invitae Variant Classification Sherloc (09022015). Collection method: clinical testing. Allele origin: germline.
Comment: For these reasons, this variant has been classified as Pathogenic. While this particular variant has not been reported in the literature, truncating variants in REEP1 are known to be pathogenic (PMID: 18644145). This sequence change creates a premature translational stop signal at codon 38 (p.Trp38*) of the REEP1 gene. It is expected to result in an absent or disrupted protein product.

Literature cited by the submitters: PubMed 18644145 (cited by Labcorp Genetics (formerly Invitae), Labcorp).